The following is an entry in ClinVar:

ClinVar aggregate classification (germline): Uncertain significance (1 of 4 stars; one submission).

gnomAD v4.1: 3 of 1,613,884 alleles (0.00019%); highest among the groups gnomAD compares: Non-Finnish European, 0.00025%; no homozygotes.

Submission:

Labcorp Genetics (formerly Invitae), Labcorp
Classification: Uncertain significance. Last evaluated: 2026-01-09. Review status: criteria provided, single submitter. Criteria: Invitae Variant Classification Sherloc (09022015). Collection method: clinical testing. Allele origin: germline.
Comment: This sequence change replaces threonine, which is neutral and polar, with isoleucine, which is neutral and non-polar, at codon 1518 of the COL11A1 protein (p.Thr1518Ile). This variant is not present in population databases (gnomAD no frequency). This variant has not been reported in the literature in individuals affected with COL11A1-related conditions. ClinVar contains an entry for this variant (Variation ID: 3675935). Invitae Evidence Modeling of protein sequence and biophysical properties (such as structural, functional, and spatial information, amino acid conservation, physicochemical variation, residue mobility, and thermodynamic stability) indicates that this missense variant is not expected to disrupt COL11A1 protein function with a negative predictive value of 80%. In summary, the available evidence is currently insufficient to determine the role of this variant in disease. Therefore, it has been classified as a Variant of Uncertain Significance.

NM_001854.4(COL11A1):c.4553C>T (p.Thr1518Ile)

Gene: COL11A1 (collagen type XI alpha 1 chain; minus strand). Cytogenetic location: 1p21.1.
Variant type: single nucleotide variant.
Coding change: c.4553C>T on transcript NM_001854.4 (MANE Select); coding-DNA position 4553, C replaced by T.
Protein change: p.Thr1518Ile; replaces threonine 1518 with isoleucine.
Molecular consequence: missense variant. On other transcripts: non-coding transcript variant (1).
Genome position (GRCh38, 1-based): chr1:102,888,724, G>A on the plus strand (C>T on the coding strand, the complement: COL11A1 is on the minus strand). VCF-style: chr1-102888724-G-A. GRCh37 (hg19) VCF-style: chr1-103354280-G-A.
Other names: c.4436C>T, p.Thr1479Ile (NM_001190709.2); c.4589C>T, p.Thr1530Ile (NM_080629.3); c.4205C>T, p.Thr1402Ile (NM_080630.4); short protein forms T1402I, T1479I, T1518I, T1530I.
Identifiers: ClinVar variation 3675935 (VCV003675935.2).